The following is an entry in ClinVar:

ClinVar aggregate classification (germline): Pathogenic. Review status: reviewed by expert panel (3 of 4 stars). 5 submissions from 5 submitters: Pathogenic (1). 4 of the submissions do not count toward it. Last evaluated 2016-09-08.

Conditions:
Hereditary cancer-predisposing syndrome. Also called: Hereditary Cancer Syndrome; Hereditary neoplastic syndrome; Neoplastic Syndromes, Hereditary; Tumor predisposition. Identifiers: Orphanet 140162, MedGen C0027672, MeSH D009386, MONDO:0015356.
Breast-ovarian cancer, familial, susceptibility to, 1 (BROVCA1). Also called: BRCA1 Hereditary Breast and Ovarian Cancer; OVARIAN CANCER, SUSCEPTIBILITY TO. Identifiers: Orphanet 145, MedGen C2676676, MONDO:0011450, OMIM 604370. Disease mechanism: loss of function.

Submissions (5):

Evidence-based Network for the Interpretation of Germline Mutant Alleles (ENIGMA)
Classification: Pathogenic for Breast-ovarian cancer, familial, susceptibility to, 1. Last evaluated: 2016-09-08. Review status: reviewed by expert panel. Criteria: ENIGMA BRCA1/2 Classification Criteria (2015). Collection method: curation. Allele origin: germline.
Comment: Variant allele predicted to encode a truncated non-functional protein.

Institute of Medical Genetics and Applied Genomics, University Hospital Tübingen
Classification: Pathogenic. Last evaluated: 2020-10-23. Review status: criteria provided, single submitter. Criteria: ACMG Guidelines, 2015. Collection method: clinical testing. Allele origin: germline. Inheritance: Autosomal unknown. Affected: yes. Not counted in ClinVar's aggregate classification.

Ambry Genetics
Classification: Pathogenic for Hereditary cancer-predisposing syndrome. Last evaluated: 2016-06-08. Review status: criteria provided, single submitter. Criteria: Ambry Variant Classification Scheme 2023. Collection method: clinical testing. Allele origin: germline. Not counted in ClinVar's aggregate classification.
Comment: The c.3779delT pathogenic mutation, located in coding exon 9 of the BRCA1 gene, results from a deletion of one nucleotide at nucleotide position 3779, causing a translational frameshift with a predicted alternate stop codon. This alteration has been previously reported in multiple high-risk individuals and families with breast and/or ovarian cancer (Shattuck-Eidens D et al. JAMA 1995 Feb; 273(7):535-41; Stavropoulou AV et al. PLoS ONE 2013 Mar; 8(3):e58182; Kluska A et al. BMC Med Genomics 2015 May; 8:19; Gaj P et al. Fam. Cancer 2012 Dec;11(4):623-8). Of note, this alteration is also designated as c.3777delT and 3896delT in the published literature. In addition to the clinical data presented in the literature, since frameshifts are typically deleterious in nature, this alteration is interpreted as a disease-causing mutation (ACMG Recommendations for Standards for Interpretation and Reporting of Sequence Variations. Revision 2007. Genet Med. 2008;10:294).

Consortium of Investigators of Modifiers of BRCA1/2 (CIMBA), c/o University of Cambridge
Classification: Pathogenic for Breast-ovarian cancer, familial, susceptibility to, 1. Last evaluated: 2015-10-02. Review status: criteria provided, single submitter. Criteria: CIMBA Mutation Classification guidelines May 2016. Collection method: clinical testing. Allele origin: germline. Not counted in ClinVar's aggregate classification.

Breast Cancer Information Core (BIC) (BRCA1)
Classification: Pathogenic for Breast-ovarian cancer, familial 1. Last evaluated: 2002-05-29. Review status: no assertion criteria provided. Collection method: clinical testing. Allele origin: germline. Affected: yes. Observed: 11 variant alleles. Not counted in ClinVar's aggregate classification.

Literature cited by the submitters: PubMed 22864640 (cited by Ambry Genetics); PubMed 23536787 (cited by Ambry Genetics); PubMed 25948282 (cited by Ambry Genetics); PubMed 7837387 (cited by Ambry Genetics).

NM_007294.4(BRCA1):c.3779del (p.Leu1260fs)

Genes: BRCA1 (BRCA1 DNA repair associated; minus strand), LOC126862571 (BRD4-independent group 4 enhancer GRCh37_chr17:41243136-41244335; plus strand). Cytogenetic location: 17q21.31.
Variant type: Deletion.
Coding change: c.3779del on transcript NM_007294.4 (MANE Select); coding-DNA position 3779, one base deleted (T; older notation c.3779delT).
Protein change: p.Leu1260fs; shifts the reading frame from leucine 1260.
Molecular consequence: frameshift variant. On other transcripts: intron variant (135).
Genome position (GRCh38, 1-based): chr17:43,091,752, A deleted on the plus strand (T on the coding strand, the reverse complement: BRCA1 is on the minus strand); the first of 3 consecutive A bases (chr17:43,091,752-43,091,754); deleting any one gives the same sequence. VCF-style (leftmost placement, unchanged base first): chr17-43091751-TA-T. GRCh37 (hg19) VCF-style: chr17-41243768-TA-T.
Other names: 3896delT; 3986delT; c.3638del, p.Leu1213fs (NM_001407942.1, NM_001407944.1, NM_001407945.1 and 29 more transcripts); c.3635del, p.Leu1212fs (NM_001407943.1, NM_001407964.1, NM_001407740.1 and 20 more transcripts); c.3446del, p.Leu1149fs (NM_001407946.1, NM_001407947.1, NM_001407948.1 and 6 more transcripts); c.3443del, p.Leu1148fs (NM_001407954.1, NM_001407955.1, NM_001407956.1 and 1 more transcripts); c.3398del, p.Leu1133fs (NM_001407959.1, NM_001407960.1, NM_001407963.1); c.3395del, p.Leu1132fs (NM_001407962.1); and 44 more; short protein forms L1213fs, L1260fs, L1148fs, L1149fs, L1212fs, L1233fs, L1171fs, L1172fs.
Identifiers: ClinVar variation 55002 (VCV000055002.11), dbSNP rs80357798, ClinGen allele CA002434.